The following is an entry in ClinVar:

NM_198859.4(PRICKLE2):c.1601C>T (p.Thr534Met)

Gene: PRICKLE2 (prickle planar cell polarity protein 2; minus strand). Cytogenetic location: 3p14.1.
Variant type: single nucleotide variant.
Coding change: c.1601C>T on transcript NM_198859.4 (MANE Select); coding-DNA position 1601, C replaced by T.
Protein change: p.Thr534Met; replaces threonine 534 with methionine.
Molecular consequence: missense variant.
Genome position (GRCh38, 1-based): chr3:64,146,889, G>A on the plus strand (C>T on the coding strand, the complement: PRICKLE2 is on the minus strand). VCF-style: chr3-64146889-G-A. GRCh37 (hg19) VCF-style: chr3-64132565-G-A.
Other names: c.1601C>T, p.Thr534Met (NM_001370528.1); c.1601C>T (NM_198859.3); short protein forms T534M.
Identifiers: ClinVar variation 1008213 (VCV001008213.6), dbSNP rs559885674, ClinGen allele CA2479600.

ClinVar aggregate classification (germline): Uncertain significance. Review status: criteria provided, multiple submitters, no conflicts (2 of 4 stars). 2 submissions from 2 submitters: Uncertain significance (2). Last evaluated 2024-01-23.

Conditions:
Progressive myoclonic epilepsy type 5. Identifiers: Orphanet 402082, MedGen C5190799.

Allele frequency attached by ClinVar (database versions not stated): gnomAD exomes 0.00001; ExAC 0.00002; TOPMed 0.00002; gnomAD 0.00005; 1000 Genomes Project 0.00020; 1000 Genomes Project 30x 0.00031.
gnomAD v4.1: 31 of 1,614,162 alleles (0.0019%); highest among the groups gnomAD compares: African/African-American, 0.027%; no homozygotes.

Submissions (2):

Ambry Genetics
Classification: Uncertain significance. Last evaluated: 2024-01-23. Review status: criteria provided, single submitter. Criteria: Ambry Variant Classification Scheme 2023. Collection method: clinical testing. Allele origin: germline.

Labcorp Genetics (formerly Invitae), Labcorp
Classification: Uncertain significance for Progressive myoclonic epilepsy type 5. Last evaluated: 2022-08-09. Review status: criteria provided, single submitter. Criteria: Invitae Variant Classification Sherloc (09022015). Collection method: clinical testing. Allele origin: germline.
Comment: This variant is present in population databases (rs559885674, gnomAD 0.02%). In summary, the available evidence is currently insufficient to determine the role of this variant in disease. Therefore, it has been classified as a Variant of Uncertain Significance. Algorithms developed to predict the effect of missense changes on protein structure and function output the following: SIFT: "Deleterious"; PolyPhen-2: "Probably Damaging"; Align-GVGD: "Class C65". The methionine amino acid residue is found in multiple mammalian species, which suggests that this missense change does not adversely affect protein function. ClinVar contains an entry for this variant (Variation ID: 1008213). This variant has not been reported in the literature in individuals affected with PRICKLE2-related conditions. This sequence change replaces threonine, which is neutral and polar, with methionine, which is neutral and non-polar, at codon 534 of the PRICKLE2 protein (p.Thr534Met).